The following is an entry in ClinVar:

NM_015346.4(ZFYVE26):c.3820A>G (p.Ser1274Gly)

Gene: ZFYVE26 (zinc finger FYVE-type containing 26; minus strand). Cytogenetic location: 14q24.1.
Variant type: single nucleotide variant.
Coding change: c.3820A>G on transcript NM_015346.4 (MANE Select); coding-DNA position 3820, A replaced by G.
Protein change: p.Ser1274Gly; replaces serine 1274 with glycine.
Molecular consequence: missense variant.
Genome position (GRCh38, 1-based): chr14:67,783,332, T>C on the plus strand (A>G on the coding strand, the complement: ZFYVE26 is on the minus strand). VCF-style: chr14-67783332-T-C. GRCh37 (hg19) VCF-style: chr14-68250049-T-C.
Other names: short protein forms S1274G.
Identifiers: ClinVar variation 997636 (VCV000997636.6), dbSNP rs1348928561, ClinGen allele CA390171417.
Genomic context (GRCh38, chr14:67,783,332, plus strand): 5'-CCCTTGGGGAGGAGTAGGGCTTTCTTTCCAATGTAGGGTTCTCAGTTGTCCTCGGGGAGC[T>C]CGGTGTAGAAAGTGGGAGGTCATCCAGGCAGTGAGAGGCGTGTAGCTGGGCCAGAGTACC-3'
Protein context (NP_056161.2, residues 1264-1284): CLDDLPLSTP[Ser1274Gly]SPRTTENPTL

ClinVar aggregate classification (germline): Uncertain significance. Review status: criteria provided, multiple submitters, no conflicts (2 of 4 stars). 3 submissions from 3 submitters: Uncertain significance (3). Last evaluated 2025-12-19.

Conditions:
Inborn genetic diseases. Identifiers: MedGen C0950123, MeSH D030342.
Hereditary spastic paraplegia 15 (SPG15). Also called: SPASTIC PARAPLEGIA AND RETINAL DEGENERATION; SPASTIC PARAPLEGIA 15, AUTOSOMAL RECESSIVE; KJELLIN SYNDROME. Identifiers: Orphanet 100996, MedGen C1849128, MONDO:0010044, OMIM 270700.
Spastic paraplegia. Identifiers: MedGen C0037772, HP:0001258.

Allele frequency attached by ClinVar (database versions not stated): gnomAD exomes 0.00001 and 0.00004; TOPMed 0.00002; gnomAD 0.00003.
gnomAD v4.1: 56 of 1,612,630 alleles (0.0035%); highest among the groups gnomAD compares: Non-Finnish European, 0.0047%; no homozygotes.

Submissions (3):

Labcorp Genetics (formerly Invitae), Labcorp
Classification: Uncertain significance for Spastic paraplegia. Last evaluated: 2025-12-19. Review status: criteria provided, single submitter. Criteria: Invitae Variant Classification Sherloc (09022015). Collection method: clinical testing. Allele origin: germline.
Comment: This sequence change replaces serine, which is neutral and polar, with glycine, which is neutral and non-polar, at codon 1274 of the ZFYVE26 protein (p.Ser1274Gly). This variant is present in population databases (no rsID available, gnomAD 0.003%). This variant has not been reported in the literature in individuals affected with ZFYVE26-related conditions. ClinVar contains an entry for this variant (Variation ID: 997636). An algorithm developed to predict the effect of missense changes on protein structure and function outputs the following: PolyPhen-2: "Benign". The glycine amino acid residue is found in multiple mammalian species, which suggests that this missense change does not adversely affect protein function. In summary, the available evidence is currently insufficient to determine the role of this variant in disease. Therefore, it has been classified as a Variant of Uncertain Significance.

Ambry Genetics
Classification: Uncertain significance for Inborn genetic diseases. Last evaluated: 2025-08-29. Review status: criteria provided, single submitter. Criteria: Ambry Variant Classification Scheme 2023. Collection method: clinical testing. Allele origin: germline.

Baylor Genetics
Classification: Uncertain significance for Hereditary spastic paraplegia 15. Last evaluated: 2019-09-25. Review status: criteria provided, single submitter. Criteria: ACMG Guidelines, 2015. Collection method: clinical testing. Allele origin: unknown. Affected: yes. Study: CSER-TexasKidsCanSeq.
Comment: This variant was determined to be of uncertain significance according to ACMG Guidelines, 2015 [PMID:25741868].